The following is an entry in ClinVar:

ClinVar aggregate classification (germline): Conflicting classifications of pathogenicity. Review status: criteria provided, conflicting classifications (1 of 4 stars). 2 submissions from 2 submitters: Likely pathogenic (1); Uncertain significance (1). Last evaluated 2024-06-26.

Conditions:
Hereditary cancer-predisposing syndrome. Also called: Neoplastic Syndromes, Hereditary; Tumor predisposition; Hereditary Cancer Syndrome; Hereditary neoplastic syndrome. Identifiers: Orphanet 140162, MedGen C0027672, MeSH D009386, MONDO:0015356.
Breast-ovarian cancer, familial, susceptibility to, 4. Identifiers: Orphanet 145, MedGen C3280345, MONDO:0013669, OMIM 614291.

Submissions (2):

Myriad Genetics, Inc.
Classification: Likely pathogenic for Breast-ovarian cancer, familial, susceptibility to, 4. Last evaluated: 2024-06-26. Review status: criteria provided, single submitter. Criteria: Myriad Autosomal Dominant, Autosomal Recessive and X-Linked Classification Criteria (2023). Collection method: clinical testing. Allele origin: unknown.
Comment: This variant is considered likely pathogenic. This variant occurs within a consensus splice junction and is predicted to result in abnormal mRNA splicing of either an out-of-frame exon or an in-frame exon necessary for protein stability and/or normal function.

Ambry Genetics
Classification: Uncertain significance for Hereditary cancer-predisposing syndrome. Last evaluated: 2021-10-07. Review status: criteria provided, single submitter. Criteria: Ambry Variant Classification Scheme 2023. Collection method: clinical testing. Allele origin: germline.
Comment: The c.667+1G>A intronic variant results from a G to A substitution one nucleotide after coding exon 7 of the RAD51D gene. This nucleotide position is highly conserved in available vertebrate species. In silico analysis predicts that this alteration will abolish the native splice donor site and this alteration will result in the creation or strengthening of a novel splice donor site. This novel donor site, if utilized, would result in an in-frame transcript with unknown functional impact; however, direct evidence is unavailable. Since supporting evidence is limited at this time, the clinical significance of this alteration remains unclear.

NM_002878.4(RAD51D):c.667+1G>A

Genes: RAD51L3-RFFL (RAD51L3-RFFL readthrough; minus strand), RAD51D (RAD51 paralog D; minus strand). Cytogenetic location: 17q12.
Variant type: single nucleotide variant.
Coding change: c.667+1G>A on transcript NM_002878.4 (MANE Select); the canonical splice donor site of the intron after coding-DNA position 667, G replaced by A.
Molecular consequence: splice donor variant.
Genome position (GRCh38, 1-based): chr17:35,103,453, C>T on the plus strand (G>A on the coding strand, the complement: RAD51D is on the minus strand). VCF-style: chr17-35103453-C-T. GRCh37 (hg19) VCF-style: chr17-33430472-C-T.
Other names: c.331+1G>A (NM_133629.3); c.727+1G>A (NM_001142571.2).
Identifiers: ClinVar variation 1754801 (VCV001754801.3), dbSNP rs1597858666, ClinGen allele CA399087824.